The following is an entry in ClinVar:

NC_000020.10:g.(?_35569422)_(36500415_?)dup

Genes: CTNNBL1 (catenin beta like 1; plus strand), NNAT (neuronatin; plus strand), MROH8 (maestro heat like repeat family member 8; minus strand), GHRH (growth hormone releasing hormone; minus strand), RPN2 (ribophorin II; plus strand) and 5 more. Cytogenetic location: 20q11.23.
Variant type: Duplication.
Identifiers: ClinVar variation 2426164 (VCV002426164.5).

ClinVar aggregate classification (germline): Uncertain significance. Review status: criteria provided, single submitter (1 of 4 stars). 2 submissions from 1 submitter: Uncertain significance (2). Last evaluated 2023-02-02.

Conditions:
Congenital disorder of glycosylation (CDG). Also called: Carbohydrate-deficient glycoprotein syndrome; Congenital disorders of glycosylation. Identifiers: Orphanet 137, MedGen C0282577, MONDO:0015286.
Aicardi-Goutieres syndrome 5. Identifiers: Orphanet 51, MedGen C2749659, MONDO:0013059, OMIM 612952.

Submissions (2):

Labcorp Genetics (formerly Invitae), Labcorp
Classification: Uncertain significance for Congenital disorder of glycosylation. Last evaluated: 2023-02-02. Review status: criteria provided, single submitter. Criteria: Invitae Variant Classification Sherloc (09022015). Collection method: clinical testing. Allele origin: unknown.
Comment: In summary, the available evidence is currently insufficient to determine the role of this variant in disease. Therefore, it has been classified as a Variant of Uncertain Significance. This variant has not been reported in the literature in individuals affected with RPN2-related conditions. A copy number gain of the genomic region encompassing the full coding sequence of the RPN2 gene has been identified. The boundaries of this event are unknown as they extend beyond the assayed region for this gene and therefore may encompass additional genes. As the precise location of this event is unknown, it may be in tandem or it may be located elsewhere in the genome.

Labcorp Genetics (formerly Invitae), Labcorp
Classification: Uncertain significance for Aicardi-Goutieres syndrome 5. Last evaluated: 2022-08-05. Review status: criteria provided, single submitter. Criteria: Invitae Variant Classification Sherloc (09022015). Collection method: clinical testing. Allele origin: germline.
Comment: This variant results in a copy number gain of the genomic region encompassing exon(s) 1-3 of the SAMHD1 gene. This region includes the initiator codon of the gene. This copy number gain extends beyond the assayed region for this gene and therefore may encompass additional genes. As the precise location of this event is unknown, it may be in tandem or it may be located elsewhere in the genome. This variant has not been reported in the literature in individuals affected with SAMHD1-related conditions. Experimental studies and prediction algorithms are not available or were not evaluated, and the functional significance of this variant is currently unknown. In summary, the available evidence is currently insufficient to determine the role of this variant in disease. Therefore, it has been classified as a Variant of Uncertain Significance.